The following is an entry in ClinVar:

ClinVar aggregate classification (germline): Conflicting classifications of pathogenicity. Review status: criteria provided, conflicting classifications (1 of 4 stars). 2 submissions from 2 submitters: Uncertain significance (1); Likely benign (1). Last evaluated 2023-03-23.

Conditions:
Hereditary cancer-predisposing syndrome. Also called: Neoplastic Syndromes, Hereditary; Hereditary Cancer Syndrome; Hereditary neoplastic syndrome; Tumor predisposition. Identifiers: Orphanet 140162, MedGen C0027672, MeSH D009386, MONDO:0015356.

Submissions (2):

University of Washington Department of Laboratory Medicine, University of Washington
Classification: Likely benign for Hereditary cancer-predisposing syndrome. Last evaluated: 2023-03-23. Review status: criteria provided, single submitter. Criteria: Dines et al. (Genet Med. 2020). Collection method: curation. Allele origin: germline.
Comment: Missense variant in a coldspot region where missense variants are very unlikely to be pathogenic (PMID:31911673).

BRCA2 exon 10 coldspot. Reclassification based on statistical prior probability.

Ambry Genetics
Classification: Uncertain significance for Hereditary cancer-predisposing syndrome. Last evaluated: 2016-12-16. Review status: criteria provided, single submitter. Criteria: Ambry Variant Classification Scheme 2023. Collection method: clinical testing. Allele origin: germline.
Comment: The p.Q407H variant (also known as c.1221G>T), located in coding exon 9 of the BRCA2 gene, results from a G to T substitution at nucleotide position 1221. The glutamine at codon 407 is replaced by histidine, an amino acid with highly similar properties. This amino acid position is well conserved in available vertebrate species. In addition, this alteration is predicted to be tolerated by in silico analysis. Since supporting evidence is limited at this time, the clinical significance of this alteration remains unclear.

NM_000059.4(BRCA2):c.1221G>T (p.Gln407His)

Gene: BRCA2 (BRCA2 DNA repair associated; plus strand). Cytogenetic location: 13q13.1.
Variant type: single nucleotide variant.
Coding change: c.1221G>T on transcript NM_000059.4 (MANE Select); coding-DNA position 1221, G replaced by T.
Protein change: p.Gln407His; replaces glutamine 407 with histidine.
Molecular consequence: missense variant.
Genome position (GRCh38, 1-based): chr13:32,332,699, G>T. VCF-style: chr13-32332699-G-T. GRCh37 (hg19) VCF-style: chr13-32906836-G-T.
Other names: short protein forms Q407H.
Identifiers: ClinVar variation 479372 (VCV000479372.7), dbSNP rs1555281779, ClinGen allele CA387762128.
Genomic context (GRCh38, chr13:32,332,699, plus strand): 5'-TGTACCGTCTTTGGCCTGTGAATGGTCTCAACTAACCCTTTCAGGTCTAAATGGAGCCCA[G>T]ATGGAGAAAATACCCCTATTGCATATTTCTTCATGTGACCAAAATATTTCAGAAAAAGAC-3'
Protein context (NP_000050.3, residues 397-417): QLTLSGLNGA[Gln407His]MEKIPLLHIS